The following is an entry in ClinVar:

ClinVar aggregate classification (germline): Likely pathogenic (0 of 4 stars; one submission).

Conditions:
NIPBL-related disorder. Also called: NIPBL-related condition.

Submission:

PreventionGenetics, part of Exact Sciences
Classification: Likely pathogenic for NIPBL-related condition. Last evaluated: 2024-04-19. Review status: no assertion criteria provided. Collection method: clinical testing. Allele origin: germline.
Comment: The NIPBL c.4952T>A variant is predicted to result in premature protein termination (p.Leu1651*). To our knowledge, this variant has not been reported in the literature or in a large population database, indicating this variant is rare. Nonsense variants in NIPBL are expected to be pathogenic. This variant is interpreted as likely pathogenic.

NM_133433.4(NIPBL):c.4952T>A (p.Leu1651Ter)

Gene: NIPBL (NIPBL cohesin loading factor; plus strand). Cytogenetic location: 5p13.2.
Variant type: single nucleotide variant.
Coding change: c.4952T>A on transcript NM_133433.4 (MANE Select); coding-DNA position 4952, T replaced by A.
Protein change: p.Leu1651Ter; replaces leucine 1651 with a stop codon.
Molecular consequence: nonsense.
Genome position (GRCh38, 1-based): chr5:37,019,342, T>A. VCF-style: chr5-37019342-T-A. GRCh37 (hg19) VCF-style: chr5-37019444-T-A.
Other names: c.4952T>A, p.Leu1651Ter (NM_015384.5); short protein forms L1651*.
Identifiers: ClinVar variation 3344351 (VCV003344351.1).
Genomic context (GRCh38, chr5:37,019,342, plus strand): 5'-TTTTTGTTCTTATTTGGTTTATTCTATAGGTTTCAGGAGGGGAAGATGAAATCCAACAAT[T>A]ACAAAAAGCATTGCTTGATTACTTGGATGAAAACACTGAGACTGATCCTTCACTAGTGGT-3'